The following is an entry in ClinVar:

NM_031308.4(EPPK1):c.310G>C (p.Val104Leu)

Gene: EPPK1 (epiplakin 1; minus strand). Cytogenetic location: 8q24.3.
Variant type: single nucleotide variant.
Coding change: c.310G>C on transcript NM_031308.4 (MANE Select); coding-DNA position 310, G replaced by C.
Protein change: p.Val104Leu; replaces valine 104 with leucine.
Molecular consequence: missense variant.
Genome position (GRCh38, 1-based): chr8:143,872,944, C>G on the plus strand (G>C on the coding strand, the complement: EPPK1 is on the minus strand). VCF-style: chr8-143872944-C-G. GRCh37 (hg19) VCF-style: chr8-144947112-C-G.
Other names: short protein forms V104L.
Identifiers: ClinVar variation 2636790 (VCV002636790.1), dbSNP rs781788668, ClinGen allele CA372538714.

ClinVar aggregate classification (germline): Uncertain significance (1 of 4 stars; one submission).

Conditions:
EPPK1-related disorder. Also called: EPPK1-related condition.

Submission:

PreventionGenetics, part of Exact Sciences
Classification: Uncertain significance for EPPK1-related condition. Last evaluated: 2023-04-05. Review status: criteria provided, single submitter. Criteria: ACMG Guidelines, 2015. Collection method: clinical testing. Allele origin: germline.
Comment: The EPPK1 c.310G>C variant is predicted to result in the amino acid substitution p.Val104Leu. To our knowledge, this variant has not been reported in the literature or in a large population database, indicating this variant is rare. At this time, the clinical significance of this variant is uncertain due to the absence of conclusive functional and genetic evidence.